The following is an entry in ClinVar:

ClinVar aggregate classification (germline): Pathogenic (1 of 4 stars; one submission).

Conditions:
Duchenne muscular dystrophy (DMD). Also called: Duchenne Muscular Dystrophy (DMD); MUSCULAR DYSTROPHY, PSEUDOHYPERTROPHIC PROGRESSIVE, DUCHENNE TYPE. Identifiers: Orphanet 98896, MedGen C0013264, MONDO:0010679, OMIM 310200.

Submission:

Labcorp Genetics (formerly Invitae), Labcorp
Classification: Pathogenic for Duchenne muscular dystrophy. Last evaluated: 2021-04-24. Review status: criteria provided, single submitter. Criteria: Invitae Variant Classification Sherloc (09022015). Collection method: clinical testing. Allele origin: germline.
Comment: For these reasons, this variant has been classified as Pathogenic. A similar copy number variant has been observed in individual(s) with Duchenne muscular dystrophy (PMID: 15655674). This variant is a gross deletion of the genomic region encompassing exon(s) 61-63 of the DMD gene. This deletion is out-of-frame, and is expected to create a premature translational stop signal and result in an absent or disrupted protein product. Loss-of-function variants in DMD are known to be pathogenic (PMID: 16770791, 25007885).

Literature cited by the submitters: PubMed 15655674; PubMed 16770791; PubMed 25007885.

NC_000023.10:g.(?_31279052)_(31366771_?)del

Gene: DMD (dystrophin; minus strand). Cytogenetic location: Xp21.2.
Variant type: Deletion.
Identifiers: ClinVar variation 1458294 (VCV001458294.7).